The following is an entry in ClinVar:

NM_004366.6(CLCN2):c.1548C>A (p.Ser516=)

Gene: CLCN2 (chloride voltage-gated channel 2; minus strand). Cytogenetic location: 3q27.1.
Variant type: single nucleotide variant.
Coding change: c.1548C>A on transcript NM_004366.6 (MANE Select); coding-DNA position 1548, C replaced by A.
Protein change: p.Ser516=; no amino-acid change (serine 516 retained).
Molecular consequence: synonymous variant.
Genome position (GRCh38, 1-based): chr3:184,354,274, G>T on the plus strand (C>A on the coding strand, the complement: CLCN2 is on the minus strand). VCF-style: chr3-184354274-G-T. GRCh37 (hg19) VCF-style: chr3-184072062-G-T.
Other names: c.1497C>A, p.Ser499= (NM_001171087.3); c.1416C>A, p.Ser472= (NM_001171088.3); c.1548C>A, p.Ser516= (NM_001171089.3).
Identifiers: ClinVar variation 1528902 (VCV001528902.20), dbSNP rs370266713, ClinGen allele CA2734045.
Genomic context (GRCh38, chr3:184,354,274, plus strand): 5'-GATCATGACAGGCAGGATGTGGGCAATCTGGCCTGTGAGCTCGAACACGATCACAGCCGT[G>T]GACACTGTGTGTGTCACCGCTCCTGCCAGCGCAGCTGCCCCTGGGGACAGTCACACTCAG-3'
Protein context (NP_004357.3, residues 506-526): ALAGAVTHTV[Ser516=]TAVIVFELTG

ClinVar aggregate classification (germline): Likely benign. Review status: criteria provided, multiple submitters, no conflicts (2 of 4 stars). 4 submissions from 4 submitters: Likely benign (4). Last evaluated 2026-01-01.

Conditions:
Familial hyperaldosteronism type II. Also called: FH II. Identifiers: Orphanet 404, MedGen C1854107, MONDO:0011576, OMIM 605635.
Leukoencephalopathy with mild cerebellar ataxia and white matter edema (LKPAT). Also called: CLCN2-Related Leukoencephalopathy; Leukoencephalopathy with ataxia; Leukoencephalopathy with white matter edema; Brain white matter edema. Identifiers: Orphanet 363540, MedGen C4554120, MONDO:0014292, OMIM 615651. Disease mechanism: loss of function.
Epilepsy, idiopathic generalized, susceptibility to, 11 (EIG11). Identifiers: Orphanet 307, MedGen C2750893, MONDO:0011875, OMIM 607628.

Allele frequency attached by ClinVar (database versions not stated): ESP Exome Variant Server 0.00008; ExAC 0.00013; gnomAD exomes 0.00013; gnomAD 0.00014; TOPMed 0.00020.
gnomAD v4.1: 187 of 1,613,022 alleles (0.012%); highest among the groups gnomAD compares: Middle Eastern, 0.23%; no homozygotes.

Submissions (4):

CeGaT Center for Human Genetics Tuebingen
Classification: Likely benign. Last evaluated: 2026-01-01. Review status: criteria provided, single submitter. Criteria: CeGaT Center For Human Genetics Tuebingen Variant Classification Criteria Version 2. Collection method: clinical testing. Allele origin: germline. Affected: yes. Observed: 4 variant alleles.
Comment: CLCN2: BP4, BP7

Labcorp Genetics (formerly Invitae), Labcorp
Classification: Likely benign. Last evaluated: 2025-11-27. Review status: criteria provided, single submitter. Criteria: Invitae Variant Classification Sherloc (09022015). Collection method: clinical testing. Allele origin: germline.

Blueprint Genetics
Classification: Likely benign. Last evaluated: 2024-10-21. Review status: criteria provided, single submitter. Criteria: ACMG Guidelines, 2015. Collection method: clinical testing. Allele origin: germline.

Fulgent Genetics
Classification: Likely benign for Familial hyperaldosteronism type II; Epilepsy, idiopathic generalized, susceptibility to, 11; Leukoencephalopathy with mild cerebellar ataxia and white matter edema. Last evaluated: 2021-08-02. Review status: criteria provided, single submitter. Criteria: ACMG Guidelines, 2015. Collection method: clinical testing. Allele origin: unknown.